The following is an entry in ClinVar:

ClinVar aggregate classification (germline): Conflicting classifications of pathogenicity. Review status: criteria provided, conflicting classifications (1 of 4 stars). 2 submissions from 2 submitters: Uncertain significance (1); Likely benign (1). Last evaluated 2025-08-11.

Conditions:
Chédiak-Higashi syndrome (CHS). Also called: Chediak-Higashi Syndrome. Identifiers: Orphanet 167, MedGen C0007965, MONDO:0008963, OMIM 214500.

Allele frequency attached by ClinVar (database versions not stated): ExAC 0.00001; gnomAD exomes 0.00001; TOPMed 0.00001.
gnomAD v4.1: 16 of 1,595,492 alleles (0.001%); highest among the groups gnomAD compares: Admixed American, 0.0017%; no homozygotes.

Submissions (2):

Labcorp Genetics (formerly Invitae), Labcorp
Classification: Likely benign for Chédiak-Higashi syndrome. Last evaluated: 2025-08-11. Review status: criteria provided, single submitter. Criteria: Invitae Variant Classification Sherloc (09022015). Collection method: clinical testing. Allele origin: germline.

CeGaT Center for Human Genetics Tuebingen
Classification: Uncertain significance. Last evaluated: 2025-08-01. Review status: criteria provided, single submitter. Criteria: CeGaT Center For Human Genetics Tuebingen Variant Classification Criteria Version 2. Collection method: clinical testing. Allele origin: germline. Affected: yes. Observed: 1 variant allele.
Comment: LYST: PM2, BP4

NM_000081.4(LYST):c.192+7T>C

Gene: LYST (lysosomal trafficking regulator; minus strand). Cytogenetic location: 1q42.3.
Variant type: single nucleotide variant.
Coding change: c.192+7T>C on transcript NM_000081.4 (MANE Select); 7 bases into the intron after coding-DNA position 192, T replaced by C.
Molecular consequence: intron variant.
Genome position (GRCh38, 1-based): chr1:235,830,219, A>G on the plus strand (T>C on the coding strand, the complement: LYST is on the minus strand). VCF-style: chr1-235830219-A-G. GRCh37 (hg19) VCF-style: chr1-235993519-A-G.
Other names: c.192+7T>C (NM_001301365.1).
Identifiers: ClinVar variation 2062137 (VCV002062137.12), dbSNP rs763933686, ClinGen allele CA1467711.
Genomic context (GRCh38, chr1:235,830,219, plus strand): 5'-AAAACCATGTAGCTACAGTTAACTATCATATATTGATGAAAGTAAGTATTTGATATAAAA[A>G]TGTTACCTGATCAATTATAGAATTTAGCTTGGTAAGTAATAGAAATCCTCGACCATGGAC-3'